The following is an entry in ClinVar:

NM_015065.3(EXPH5):c.1277G>A (p.Arg426His)

Gene: EXPH5 (exophilin 5; minus strand). Cytogenetic location: 11q22.3.
Variant type: single nucleotide variant.
Coding change: c.1277G>A on transcript NM_015065.3 (MANE Select); coding-DNA position 1277, G replaced by A.
Protein change: p.Arg426His; replaces arginine 426 with histidine.
Molecular consequence: missense variant.
Genome position (GRCh38, 1-based): chr11:108,514,230, C>T on the plus strand (G>A on the coding strand, the complement: EXPH5 is on the minus strand). VCF-style: chr11-108514230-C-T. GRCh37 (hg19) VCF-style: chr11-108384957-C-T.
Other names: c.1049G>A, p.Arg350His (NM_001144763.2); c.809G>A, p.Arg270His (NM_001144764.2); c.713G>A, p.Arg238His (NM_001144765.2); c.1256G>A, p.Arg419His (NM_001308019.2); short protein forms R270H, R419H, R238H, R426H, R350H.
Identifiers: ClinVar variation 2523345 (VCV002523345.3), dbSNP rs201566549, ClinGen allele CA6268064.
Genomic context (GRCh38, chr11:108,514,230, plus strand): 5'-TCTGAGTTCTCAAAAGTGTCGGGACTCATTGCATTCTCCATGGGAGCATTTAAACTAACA[C>T]GTTGGTAAACATTCTGTGAATGGTACGATTCATATCTCTTATTCTCCTGAAAACCCCTGG-3'
Protein context (NP_055880.2, residues 416-436): ESYHSQNVYQ[Arg426His]VSLNAPMENA

ClinVar aggregate classification (germline): Likely benign. Review status: criteria provided, single submitter (1 of 4 stars). 2 submissions from 2 submitters: Likely benign (1). 1 of the submissions does not count toward it. Last evaluated 2023-04-25.

Conditions:
EXPH5-related disorder. Also called: EXPH5-related condition.
Inborn genetic diseases. Identifiers: MedGen C0950123, MeSH D030342.

Allele frequency attached by ClinVar (database versions not stated): gnomAD 0.00001; ExAC 0.00002; gnomAD exomes 0.00002; TOPMed 0.00004; ESP Exome Variant Server 0.00008.
gnomAD v4.1: 35 of 1,614,092 alleles (0.0022%); highest among the groups gnomAD compares: Non-Finnish European, 0.0028%; no homozygotes.

Submissions (2):

Ambry Genetics
Classification: Likely benign for Inborn genetic diseases. Last evaluated: 2023-04-25. Review status: criteria provided, single submitter. Criteria: Ambry Variant Classification Scheme 2023. Collection method: clinical testing. Allele origin: germline.

PreventionGenetics, part of Exact Sciences
Classification: Uncertain significance for EXPH5-related condition. Last evaluated: 2024-05-06. Review status: no assertion criteria provided. Collection method: clinical testing. Allele origin: germline. Not counted in ClinVar's aggregate classification.
Comment: The EXPH5 c.1277G>A variant is predicted to result in the amino acid substitution p.Arg426His. To our knowledge, this variant has not been reported in the literature. This variant is reported in 0.0031% of alleles in individuals of European (Non-Finnish) descent in gnomAD. At this time, the clinical significance of this variant is uncertain due to the absence of conclusive functional and genetic evidence.